The following is an entry in ClinVar:

NM_021870.3(FGG):c.997C>T (p.His333Tyr)

Gene: FGG (fibrinogen gamma chain; minus strand). Cytogenetic location: 4q32.1.
Variant type: single nucleotide variant.
Coding change: c.997C>T on transcript NM_021870.3 (MANE Select); coding-DNA position 997, C replaced by T.
Protein change: p.His333Tyr; replaces histidine 333 with tyrosine.
Molecular consequence: missense variant.
Genome position (GRCh38, 1-based): chr4:154,606,837, G>A on the plus strand (C>T on the coding strand, the complement: FGG is on the minus strand). VCF-style: chr4-154606837-G-A. GRCh37 (hg19) VCF-style: chr4-155527989-G-A.
Other names: p.His333Tyr; c.997C>T, p.His333Tyr (NM_000509.6); short protein forms H333Y.
Identifiers: ClinVar variation 3380990 (VCV003380990.1).

ClinVar aggregate classification (germline): Pathogenic (1 of 4 stars; one submission).

Submission:

Mayo Clinic Laboratories, Mayo Clinic
Classification: Pathogenic. Last evaluated: 2023-08-30. Review status: criteria provided, single submitter. Criteria: ACMG Guidelines, 2015. Collection method: clinical testing. Allele origin: germline. Observed: 1 variant allele.
Comment: PP3, PM1, PM2_moderate, PS3, PS4_moderate

Literature cited by the submitters: PubMed 15613026; PubMed 20580674.